The following is an entry in ClinVar:

ClinVar aggregate classification (germline): Uncertain significance. Review status: criteria provided, multiple submitters, no conflicts (2 of 4 stars). 3 submissions from 3 submitters: Uncertain significance (3). Last evaluated 2025-06-23.

Conditions:
Inborn genetic diseases. Identifiers: MedGen C0950123, MeSH D030342.

Allele frequency attached by ClinVar (database versions not stated): ExAC 0.00001; gnomAD exomes 0.00001.
gnomAD v4.1: 9 of 1,606,452 alleles (0.00056%); highest among the groups gnomAD compares: South Asian, 0.0088%; no homozygotes.

Submissions (3):

GeneDx
Classification: Uncertain significance. Last evaluated: 2025-06-23. Review status: criteria provided, single submitter. Criteria: GeneDx Variant Classification Process June 2021. Collection method: clinical testing. Allele origin: germline. Affected: yes.
Comment: Not observed at significant frequency in large population cohorts (gnomAD); In silico analysis suggests that this missense variant does not alter protein structure/function; Has not been previously published as pathogenic or benign to our knowledge

Labcorp Genetics (formerly Invitae), Labcorp
Classification: Uncertain significance. Last evaluated: 2022-08-09. Review status: criteria provided, single submitter. Criteria: Invitae Variant Classification Sherloc (09022015). Collection method: clinical testing. Allele origin: germline.
Comment: This missense change has been observed in individual(s) with ATP8A2-related condition (Invitae). This variant is not present in population databases (gnomAD no frequency). This sequence change replaces valine, which is neutral and non-polar, with isoleucine, which is neutral and non-polar, at codon 448 of the ATP8A2 protein (p.Val448Ile). ClinVar contains an entry for this variant (Variation ID: 1366088). Algorithms developed to predict the effect of missense changes on protein structure and function (SIFT, PolyPhen-2, Align-GVGD) all suggest that this variant is likely to be tolerated. In summary, the available evidence is currently insufficient to determine the role of this variant in disease. Therefore, it has been classified as a Variant of Uncertain Significance.

Ambry Genetics
Classification: Uncertain significance for Inborn genetic diseases. Last evaluated: 2022-01-21. Review status: criteria provided, single submitter. Criteria: Ambry Variant Classification Scheme 2023. Collection method: clinical testing. Allele origin: germline.
Comment: The c.1342G>A (p.V448I) alteration is located in exon 14 (coding exon 14) of the ATP8A2 gene. This alteration results from a G to A substitution at nucleotide position 1342, causing the valine (V) at amino acid position 448 to be replaced by an isoleucine (I). This variant was not reported in population-based cohorts in the Genome Aggregation Database (gnomAD). However, the alteration was flagged as a low confidence call in gnomAD. This amino acid position is not well conserved in available vertebrate species. This alteration is predicted to be tolerated by in silico analysis. Based on insufficient or conflicting evidence, the clinical significance of this alteration remains unclear.

NM_016529.6(ATP8A2):c.1342G>A (p.Val448Ile)

Gene: ATP8A2 (ATPase phospholipid transporting 8A2). Cytogenetic location: 13q12.13.
Variant type: single nucleotide variant.
Coding change: c.1342G>A on transcript NM_016529.6 (MANE Select); coding-DNA position 1342, G replaced by A.
Protein change: p.Val448Ile; replaces valine 448 with isoleucine.
Molecular consequence: missense variant.
Genome position (GRCh38, 1-based): chr13:25,559,051, G>A. VCF-style: chr13-25559051-G-A. GRCh37 (hg19) VCF-style: chr13-26133189-G-A.
Other names: c.1222G>A, p.Val408Ile (NM_001313741.1); c.1342G>A (NM_016529.4); short protein forms V408I, V448I.
Identifiers: ClinVar variation 1366088 (VCV001366088.10), dbSNP rs761451341, ClinGen allele CA6922867.